The following is an entry in ClinVar:

NM_000287.4(PEX6):c.1900G>T (p.Asp634Tyr)

Gene: PEX6 (peroxisomal biogenesis factor 6; minus strand). Cytogenetic location: 6p21.1.
Variant type: single nucleotide variant.
Coding change: c.1900G>T on transcript NM_000287.4 (MANE Select); coding-DNA position 1900, G replaced by T.
Protein change: p.Asp634Tyr; replaces aspartic acid 634 with tyrosine.
Molecular consequence: missense variant. On other transcripts: non-coding transcript variant (1).
Genome position (GRCh38, 1-based): chr6:42,966,843, C>A on the plus strand (G>T on the coding strand, the complement: PEX6 is on the minus strand). VCF-style: chr6-42966843-C-A. GRCh37 (hg19) VCF-style: chr6-42934581-C-A.
Other names: c.1636G>T, p.Asp546Tyr (NM_001316313.2); short protein forms D634Y, D546Y.
Identifiers: ClinVar variation 1990984 (VCV001990984.1), dbSNP rs2114241000, ClinGen allele CA364153244.

ClinVar aggregate classification (germline): Uncertain significance (1 of 4 stars; one submission).

Conditions:
Peroxisome biogenesis disorder. Identifiers: Orphanet 79189, MedGen C1832200, MONDO:0019234. Disease mechanism: loss of function.

Submission:

Labcorp Genetics (formerly Invitae), Labcorp
Classification: Uncertain significance for Peroxisome biogenesis disorder. Last evaluated: 2022-06-22. Review status: criteria provided, single submitter. Criteria: Invitae Variant Classification Sherloc (09022015). Collection method: clinical testing. Allele origin: germline.
Comment: This sequence change replaces aspartic acid, which is acidic and polar, with tyrosine, which is neutral and polar, at codon 634 of the PEX6 protein (p.Asp634Tyr). This variant is not present in population databases (gnomAD no frequency). This variant has not been reported in the literature in individuals affected with PEX6-related conditions. Algorithms developed to predict the effect of missense changes on protein structure and function (SIFT, PolyPhen-2, Align-GVGD) all suggest that this variant is likely to be disruptive. In summary, the available evidence is currently insufficient to determine the role of this variant in disease. Therefore, it has been classified as a Variant of Uncertain Significance.